The following is an entry in ClinVar:

ClinVar aggregate classification (germline): Uncertain significance (1 of 4 stars; one submission).

Conditions:
Dilated cardiomyopathy 1DD (CMD1DD). Identifiers: Orphanet 154, MedGen C2750995, MONDO:0013168, OMIM 613172.

Allele frequency attached by ClinVar (database versions not stated): TOPMed below 0.00001.

Submission:

Labcorp Genetics (formerly Invitae), Labcorp
Classification: Uncertain significance for Dilated cardiomyopathy 1DD. Last evaluated: 2025-12-03. Review status: criteria provided, single submitter. Criteria: Invitae Variant Classification Sherloc (09022015). Collection method: clinical testing. Allele origin: germline.
Comment: This sequence change replaces aspartic acid, which is acidic and polar, with glycine, which is neutral and non-polar, at codon 834 of the RBM20 protein (p.Asp834Gly). This variant is not present in population databases (gnomAD no frequency). This variant has not been reported in the literature in individuals affected with RBM20-related conditions. ClinVar contains an entry for this variant (Variation ID: 2984794). Invitae Evidence Modeling of protein sequence and biophysical properties (such as structural, functional, and spatial information, amino acid conservation, physicochemical variation, residue mobility, and thermodynamic stability) indicates that this missense variant is not expected to disrupt RBM20 protein function with a negative predictive value of 95%. In summary, the available evidence is currently insufficient to determine the role of this variant in disease. Therefore, it has been classified as a Variant of Uncertain Significance.

NM_001134363.3(RBM20):c.2501A>G (p.Asp834Gly)

Gene: RBM20 (RNA binding motif protein 20; plus strand). Cytogenetic location: 10q25.2.
Variant type: single nucleotide variant.
Coding change: c.2501A>G on transcript NM_001134363.3 (MANE Select); coding-DNA position 2501, A replaced by G.
Protein change: p.Asp834Gly; replaces aspartic acid 834 with glycine.
Molecular consequence: missense variant.
Genome position (GRCh38, 1-based): chr10:110,812,898, A>G. VCF-style: chr10-110812898-A-G. GRCh37 (hg19) VCF-style: chr10-112572656-A-G.
Other names: short protein forms D834G.
Identifiers: ClinVar variation 2984794 (VCV002984794.3), dbSNP rs1844793665, ClinGen allele CA378374504.